The following is an entry in ClinVar:

ClinVar aggregate classification (germline): Uncertain significance (1 of 4 stars; one submission).

gnomAD v4.1: 2 of 1,613,206 alleles (0.00012%); highest among the groups gnomAD compares: Non-Finnish European, 0.00017%; no homozygotes.

Submission:

Labcorp Genetics (formerly Invitae), Labcorp
Classification: Uncertain significance. Last evaluated: 2025-11-12. Review status: criteria provided, single submitter. Criteria: Invitae Variant Classification Sherloc (09022015). Collection method: clinical testing. Allele origin: germline.
Comment: This sequence change replaces asparagine, which is neutral and polar, with lysine, which is basic and polar, at codon 356 of the NAF1 protein (p.Asn356Lys). This variant is not present in population databases (gnomAD no frequency). This variant has not been reported in the literature in individuals affected with NAF1-related conditions. An algorithm developed to predict the effect of missense changes on protein structure and function (PolyPhen-2) suggests that this variant is likely to be tolerated. In summary, the available evidence is currently insufficient to determine the role of this variant in disease. Therefore, it has been classified as a Variant of Uncertain Significance.

NM_138386.3(NAF1):c.1068T>G (p.Asn356Lys)

Gene: NAF1 (nuclear assembly factor 1 ribonucleoprotein; minus strand). Cytogenetic location: 4q32.2.
Variant type: single nucleotide variant.
Coding change: c.1068T>G on transcript NM_138386.3 (MANE Select); coding-DNA position 1068, T replaced by G.
Protein change: p.Asn356Lys; replaces asparagine 356 with lysine.
Molecular consequence: missense variant. On other transcripts: intron variant (1).
Genome position (GRCh38, 1-based): chr4:163,129,314, A>C on the plus strand (T>G on the coding strand, the complement: NAF1 is on the minus strand). VCF-style: chr4-163129314-A-C. GRCh37 (hg19) VCF-style: chr4-164050466-A-C.
Other names: c.1034-2199T>G (NM_001128931.2); short protein forms N356K.
Identifiers: ClinVar variation 4694073 (VCV004694073.1).